The following is an entry in ClinVar:

NM_025215.6(PUS1):c.229C>G (p.Arg77Gly)

Gene: PUS1 (pseudouridine synthase 1; plus strand). Cytogenetic location: 12q24.33.
Variant type: single nucleotide variant.
Coding change: c.229C>G on transcript NM_025215.6 (MANE Select); coding-DNA position 229, C replaced by G.
Protein change: p.Arg77Gly; replaces arginine 77 with glycine.
Molecular consequence: missense variant.
Genome position (GRCh38, 1-based): chr12:131,930,061, C>G. VCF-style: chr12-131930061-C-G. GRCh37 (hg19) VCF-style: chr12-132414606-C-G.
Other names: c.145C>G, p.Arg49Gly (NM_001002019.3, NM_001002020.3); short protein forms R49G, R77G.
Identifiers: ClinVar variation 2574369 (VCV002574369.1), dbSNP rs1468033121, ClinGen allele CA387297393.
Genomic context (GRCh38, chr12:131,930,061, plus strand): 5'-CGCGTCTGGGAGGACGGAGAACATCCGGCGAAGAAGCTCAAGAGCGGTGGCGACGAGGAG[C>G]GGCGCGAGAAGCCGCCCAAGCGGAAGATCGTGCTGCTCATGGCCTATTCGGGCAAGGGCT-3'
Protein context (NP_079491.2, residues 67-87): KKLKSGGDEE[Arg77Gly]REKPPKRKIV

ClinVar aggregate classification (germline): Uncertain significance (1 of 4 stars; one submission).

Allele frequency attached by ClinVar (database versions not stated): gnomAD exomes below 0.00001; TOPMed below 0.00001; gnomAD 0.00001.
gnomAD v4.1: 5 of 1,437,294 alleles (0.00035%); highest among the groups gnomAD compares: Non-Finnish European, 0.00046%; no homozygotes.

Submission:

GeneDx
Classification: Uncertain significance. Last evaluated: 2023-01-26. Review status: criteria provided, single submitter. Criteria: GeneDx Variant Classification Process June 2021. Collection method: clinical testing. Allele origin: germline. Affected: yes.
Comment: Not observed at significant frequency in large population cohorts (gnomAD); In silico analysis supports that this missense variant does not alter protein structure/function; Has not been previously published as pathogenic or benign to our knowledge